The following is an entry in ClinVar:

ClinVar aggregate classification (germline): Pathogenic (0 of 4 stars; one submission).

Submission:

Quest Diagnostics Nichols Institute San Juan Capistrano
Classification: Pathogenic. Last evaluated: 2021-03-01. Review status: no assertion criteria provided. Collection method: clinical testing. Allele origin: germline.
Comment: The copy number loss of Yp11.31 involves the entire SRY gene (NM_003140.3; OMIM 480000), which is a single exon gene. Loss-of-function pathogenic sequence variants (missense and truncating) and full gene deletion of SRY have been associated with 46,XY sex reversal 1 (OMIM 400044; Amudha et al. Int. J. Hum. Genet. 2012; 12(2):99-103; DOI 10.1080/09723757.2012.11886169). Most of these pathogenic sequence variants are within the key DNA-binding domain, disrupt the normal expression pattern of SRY, and/or cause loss of DNA-binding ability of SRY (Harley et al., Proc Natl Acad Sci U S A. 2003 Jun 10;100(12):7045-50. PMID: 12764225; Jordan et al., J Clin Endocrinol Metab. 2002 Jul;87(7):3428-32. PMID: 12107262; Li et al., J Biol Chem. 2001 Dec 7;276(49):46480-4. PMID: 11641389).The XY female patients have an increased risk to develop a dysgerminoma and/or gonadoblastoma. Incomplete penetrance has also been reported (Dork et al., Hum Mutat. 1998;11(1):90-1. PMID: 9450909; Cameron et al., Hum Mutat. 1997;9(5):388-95. PMID: 9143916). There are no similar copy number losses of this region in the general populations of the Database of Genomic Variants. Thus, based on literature review and gene content, this copy number loss is interpreted as pathogenic.

GRCh37/hg19 Yp11.31(chrY:2650140-2691749)x0

Gene: SRY (sex determining region Y; minus strand). Cytogenetic location: Yp11.31.
Variant type: copy number loss.
Change: copy number 0 of chrY:2,650,140-2,691,749 (41.6 kb, GRCh37 coordinates, 1-based), cytogenetic band Yp11.31.
Identifiers: ClinVar variation 1339966 (VCV001339966.1).